The following is an entry in ClinVar:

NM_015443.4(KANSL1):c.1277G>A (p.Arg426His)

Gene: KANSL1 (KAT8 regulatory NSL complex subunit 1). Cytogenetic location: 17q21.31.
Variant type: single nucleotide variant.
Coding change: c.1277G>A on transcript NM_015443.4 (MANE Select); coding-DNA position 1277, G replaced by A.
Protein change: p.Arg426His; replaces arginine 426 with histidine.
Molecular consequence: missense variant.
Genome position (GRCh38, 1-based): chr17:46,170,867, C>T on the plus strand (G>A on the coding strand, the complement: KANSL1 is on the minus strand). VCF-style: chr17-46170867-C-T. GRCh37 (hg19) VCF-style: chr17-44248233-C-T.
Other names: p.R426H:CGT>CAT; c.1277G>A, p.Arg426His (NM_001193465.2, NM_001193466.2, NM_001379198.1); short protein forms R426H.
Identifiers: ClinVar variation 205786 (VCV000205786.3), dbSNP rs764291274, ClinGen allele CA315198.

ClinVar aggregate classification (germline): Conflicting classifications of pathogenicity. Review status: criteria provided, conflicting classifications (1 of 4 stars). 3 submissions from 3 submitters: Uncertain significance (2); Likely benign (1). Last evaluated 2024-06-04.

Conditions:
Koolen-de Vries syndrome (KDVS). Identifiers: Orphanet 96169, MedGen C1864871, MONDO:0012496, OMIM 610443.

Allele frequency attached by ClinVar (database versions not stated): gnomAD 0.00006; TOPMed 0.00006.
gnomAD v4.1: 23 of 1,605,118 alleles (0.0014%); highest among the groups gnomAD compares: Admixed American, 0.0034%; no homozygotes.

Submissions (3):

Fulgent Genetics
Classification: Uncertain significance for Koolen-de Vries syndrome. Last evaluated: 2024-06-04. Review status: criteria provided, single submitter. Criteria: ACMG Guidelines, 2015. Collection method: clinical testing. Allele origin: germline.

Women's Health and Genetics/Laboratory Corporation of America, LabCorp
Classification: Uncertain significance. Last evaluated: 2023-07-20. Review status: criteria provided, single submitter. Criteria: LabCorp Variant Classification Summary - May 2015. Collection method: clinical testing. Allele origin: germline.
Comment: Variant summary: KIAA1267 (KANSL1) c.1277G>A (p.Arg426His) results in a non-conservative amino acid change in the encoded protein sequence. Four of five in-silico tools predict a benign effect of the variant on protein function. The variant allele was found at a frequency of 2.2e-05 in 277564 control chromosomes (gnomAD). The available data on variant occurrences in the general population are insufficient to allow any conclusion about variant significance. To our knowledge, no occurrence of c.1277G>A in individuals affected with Koolen-De Vries Syndrome and no experimental evidence demonstrating its impact on protein function have been reported. No submitters have cited clinical-significance assessments for this variant to ClinVar after 2014. Based on the evidence outlined above, the variant was classified as uncertain significance.

GeneDx
Classification: Likely benign. Last evaluated: 2014-11-24. Review status: criteria provided, single submitter. Criteria: GeneDx Variant Classification (06012015). Collection method: clinical testing. Allele origin: germline. Affected: yes.
Comment: This variant is considered likely benign or benign based on one or more of the following criteria: it is a conservative change, it occurs at a poorly conserved position in the protein, it is predicted to be benign by multiple in silico algorithms, and/or has population frequency not consistent with disease.